The following is an entry in ClinVar:

NM_000245.4(MET):c.2795C>T (p.Thr932Ile)

Gene: MET (MET proto-oncogene, receptor tyrosine kinase; plus strand). Cytogenetic location: 7q31.2.
Variant type: single nucleotide variant.
Coding change: c.2795C>T on transcript NM_000245.4 (MANE Select); coding-DNA position 2795, C replaced by T.
Protein change: p.Thr932Ile; replaces threonine 932 with isoleucine.
Molecular consequence: missense variant.
Genome position (GRCh38, 1-based): chr7:116,771,562, C>T. VCF-style: chr7-116771562-C-T. GRCh37 (hg19) VCF-style: chr7-116411616-C-T.
Other names: c.2849C>T, p.Thr950Ile (NM_001127500.3); c.1505C>T, p.Thr502Ile (NM_001324402.2); short protein forms T502I, T932I, T950I.
Identifiers: ClinVar variation 821897 (VCV000821897.15), dbSNP rs758486777, ClinGen allele CA164904817.

ClinVar aggregate classification (germline): Uncertain significance. Review status: criteria provided, multiple submitters, no conflicts (2 of 4 stars). 4 submissions from 4 submitters: Uncertain significance (4). Last evaluated 2026-01-18.

Conditions:
Hereditary cancer-predisposing syndrome. Also called: Tumor predisposition; Hereditary Cancer Syndrome; Neoplastic Syndromes, Hereditary; Hereditary neoplastic syndrome. Identifiers: Orphanet 140162, MedGen C0027672, MeSH D009386, MONDO:0015356.
Autosomal recessive nonsyndromic hearing loss 97. Also called: Deafness, autosomal recessive 97. Identifiers: Orphanet 90636, MedGen C4084709, MONDO:0014739, OMIM 616705.
Renal cell carcinoma. Identifiers: Orphanet 217071, MedGen C0007134, MeSH D002292, MONDO:0005086, HP:0005584.

Allele frequency attached by ClinVar (database versions not stated): gnomAD exomes below 0.00001 and 0.00001; gnomAD 0.00001; TOPMed 0.00001.

Submissions (4):

Labcorp Genetics (formerly Invitae), Labcorp
Classification: Uncertain significance for Renal cell carcinoma. Last evaluated: 2026-01-18. Review status: criteria provided, single submitter. Criteria: Invitae Variant Classification Sherloc (09022015). Collection method: clinical testing. Allele origin: germline.
Comment: This sequence change replaces threonine, which is neutral and polar, with isoleucine, which is neutral and non-polar, at codon 950 of the MET protein (p.Thr950Ile). The frequency data for this variant in the population databases is considered unreliable, as metrics indicate poor data quality at this position in the gnomAD database. This variant has not been reported in the literature in individuals affected with MET-related conditions. ClinVar contains an entry for this variant (Variation ID: 821897). Invitae Evidence Modeling of protein sequence and biophysical properties (such as structural, functional, and spatial information, amino acid conservation, physicochemical variation, residue mobility, and thermodynamic stability) indicates that this missense variant is not expected to disrupt MET protein function with a negative predictive value of 80%. In summary, the available evidence is currently insufficient to determine the role of this variant in disease. Therefore, it has been classified as a Variant of Uncertain Significance.

Ambry Genetics
Classification: Uncertain significance for Hereditary cancer-predisposing syndrome. Last evaluated: 2024-07-05. Review status: criteria provided, single submitter. Criteria: Ambry Variant Classification Scheme 2023. Collection method: clinical testing. Allele origin: germline.
Comment: The p.T950I variant (also known as c.2849C>T), located in coding exon 12 of the MET gene, results from a C to T substitution at nucleotide position 2849. The threonine at codon 950 is replaced by isoleucine, an amino acid with similar properties. This amino acid position is well conserved in available vertebrate species. In addition, this alteration is predicted to be tolerated by in silico analysis. Since supporting evidence is limited at this time, the clinical significance of this alteration remains unclear.

Baylor Genetics
Classification: Uncertain significance for Autosomal recessive nonsyndromic hearing loss 97. Last evaluated: 2023-12-27. Review status: criteria provided, single submitter. Criteria: ACMG Guidelines, 2015. Collection method: clinical testing. Allele origin: unknown.

GeneDx
Classification: Uncertain significance. Last evaluated: 2023-02-16. Review status: criteria provided, single submitter. Criteria: GeneDx Variant Classification Process June 2021. Collection method: clinical testing. Allele origin: germline. Affected: yes.
Comment: Not observed at a significant frequency in large population cohorts (gnomAD); In silico analysis supports that this missense variant has a deleterious effect on protein structure/function; Has not been previously published as pathogenic or benign to our knowledge